The following is an entry in ClinVar:

NM_201596.3(CACNB2):c.1612C>A (p.His538Asn)

Gene: CACNB2 (calcium voltage-gated channel auxiliary subunit beta 2; plus strand). Cytogenetic location: 10p12.31.
Variant type: single nucleotide variant.
Coding change: c.1612C>A on transcript NM_201596.3 (MANE Select); coding-DNA position 1612, C replaced by A.
Protein change: p.His538Asn; replaces histidine 538 with asparagine.
Molecular consequence: missense variant.
Genome position (GRCh38, 1-based): chr10:18,539,353, C>A. VCF-style: chr10-18539353-C-A. GRCh37 (hg19) VCF-style: chr10-18828282-C-A.
Other names: c.1456C>A, p.His486Asn (NM_201572.4); c.1450C>A, p.His484Asn (NM_201590.3); c.1498C>A, p.His500Asn (NM_201593.3); c.1540C>A, p.His514Asn (NM_201597.3); c.1447C>A, p.His483Asn (NM_000724.4); c.1414C>A, p.His472Asn (NM_001167945.2); c.1333C>A, p.His445Asn (NM_001330060.2); c.1354C>A, p.His452Asn (NM_001410882.1); and 2 more; short protein forms H484N, H486N, H445N, H472N, H510N, H514N, H500N, H538N.
Identifiers: ClinVar variation 3655286 (VCV003655286.2).

ClinVar aggregate classification (germline): Uncertain significance (1 of 4 stars; one submission).

Conditions:
Brugada syndrome 4 (BRGDA4). Identifiers: Orphanet 130, MedGen C2678477, MONDO:0012743, OMIM 611876.

Submission:

Labcorp Genetics (formerly Invitae), Labcorp
Classification: Uncertain significance for Brugada syndrome 4. Last evaluated: 2024-05-16. Review status: criteria provided, single submitter. Criteria: Invitae Variant Classification Sherloc (09022015). Collection method: clinical testing. Allele origin: germline.
Comment: This sequence change replaces histidine, which is basic and polar, with asparagine, which is neutral and polar, at codon 484 of the CACNB2 protein (p.His484Asn). This variant is not present in population databases (gnomAD no frequency). This variant has not been reported in the literature in individuals affected with CACNB2-related conditions. Advanced modeling of protein sequence and biophysical properties (such as structural, functional, and spatial information, amino acid conservation, physicochemical variation, residue mobility, and thermodynamic stability) performed at Invitae indicates that this missense variant is not expected to disrupt CACNB2 protein function with a negative predictive value of 80%. In summary, the available evidence is currently insufficient to determine the role of this variant in disease. Therefore, it has been classified as a Variant of Uncertain Significance.